The following is an entry in ClinVar:

ClinVar aggregate classification (germline): Uncertain significance (1 of 4 stars; one submission).

Submission:

Ambry Genetics
Classification: Uncertain significance. Last evaluated: 2026-01-03. Review status: criteria provided, single submitter. Criteria: Ambry Variant Classification Scheme 2023. Collection method: clinical testing. Allele origin: germline.
Comment: The p.G1215D variant (also known as c.3644G>A) is located in coding exon 6 of the MLH3 gene. The glycine at codon 1215 is replaced by aspartic acid, an amino acid with similar properties. This change occurs in the first base pair of coding exon 6. This amino acid position is conserved. In addition, the in silico prediction for this alteration is inconclusive. Based on the available evidence, the clinical significance of this variant remains unclear.

NM_001040108.2(MLH3):c.3644G>A (p.Gly1215Asp)

Gene: MLH3 (mutL homolog 3; minus strand). Cytogenetic location: 14q24.3.
Variant type: single nucleotide variant.
Coding change: c.3644G>A on transcript NM_001040108.2 (MANE Select); coding-DNA position 3644, G replaced by A.
Protein change: p.Gly1215Asp; replaces glycine 1215 with aspartic acid.
Molecular consequence: missense variant. On other transcripts: intron variant (1).
Genome position (GRCh38, 1-based): chr14:75,033,490, C>T on the plus strand (G>A on the coding strand, the complement: MLH3 is on the minus strand). VCF-style: chr14-75033490-C-T. GRCh37 (hg19) VCF-style: chr14-75500193-C-T.
Other names: c.3644-1311G>A (NM_014381.3); short protein forms G1215D.
Identifiers: ClinVar variation 4841838 (VCV004841838.1).